The following is an entry in ClinVar:

ClinVar aggregate classification (germline): Uncertain significance (1 of 4 stars; one submission).

Allele frequency attached by ClinVar (database versions not stated): TOPMed 0.00001; gnomAD exomes 0.00002; ExAC 0.00003; gnomAD 0.00004; 1000 Genomes Project 0.00020; 1000 Genomes Project 30x 0.00031.
gnomAD v4.1: 37 of 1,614,180 alleles (0.0023%); highest among the groups gnomAD compares: East Asian, 0.031%; no homozygotes.

Submission:

Ambry Genetics
Classification: Uncertain significance. Last evaluated: 2023-09-20. Review status: criteria provided, single submitter. Criteria: Ambry Variant Classification Scheme 2023. Collection method: clinical testing. Allele origin: germline.
Comment: The p.V452M variant (also known as c.1354G>A), located in coding exon 6 of the PALLD gene, results from a G to A substitution at nucleotide position 1354. The valine at codon 452 is replaced by methionine, an amino acid with highly similar properties. This amino acid position is conserved. In addition, the in silico prediction for this alteration is inconclusive. Since supporting evidence is limited at this time, the clinical significance of this alteration remains unclear.

NM_001166108.2(PALLD):c.1354G>A (p.Val452Met)

Gene: PALLD (palladin, cytoskeletal associated protein; plus strand). Cytogenetic location: 4q32.3.
Variant type: single nucleotide variant.
Coding change: c.1354G>A on transcript NM_001166108.2 (MANE Select); coding-DNA position 1354, G replaced by A.
Protein change: p.Val452Met; replaces valine 452 with methionine.
Molecular consequence: missense variant.
Genome position (GRCh38, 1-based): chr4:168,690,621, G>A. VCF-style: chr4-168690621-G-A. GRCh37 (hg19) VCF-style: chr4-169611772-G-A.
Other names: c.208G>A, p.Val70Met (NM_001166109.2); c.1354G>A, p.Val452Met (NM_016081.4); short protein forms V452M, V70M.
Identifiers: ClinVar variation 1770668 (VCV001770668.2), dbSNP rs187404166, ClinGen allele CA3135594.
Genomic context (GRCh38, chr4:168,690,621, plus strand): 5'-CAAAGTCTGATGGGGTTTTCCTTGAATTTCCTTGAATTTCAGGAACTGCAAAACACAGCC[G>A]TGGCGGAAGGCCAGGTGGTGGTTCTGGAGTGCCGGGTCCGTGGGGCACCCCCTCTGCAGG-3'
Protein context (NP_001159580.1, residues 442-462): VFTKELQNTA[Val452Met]AEGQVVVLEC